The following is an entry in ClinVar:

ClinVar aggregate classification (germline): Uncertain significance. Review status: criteria provided, multiple submitters, no conflicts (2 of 4 stars). 2 submissions from 2 submitters: Uncertain significance (2). Last evaluated 2022-10-04.

Conditions:
PGM1-congenital disorder of glycosylation. Also called: Congenital disorder of glycosylation type 1t; GLYCOGEN STORAGE DISEASE XIV; GSD XIV; CDG It; PHOSPHOGLUCOMUTASE 1 DEFICIENCY; PGM1 DEFICIENCY. Identifiers: Orphanet 319646, MedGen C2752015, MONDO:0013968, OMIM 614921.
Inborn genetic diseases. Identifiers: MedGen C0950123, MeSH D030342.

Allele frequency attached by ClinVar (database versions not stated): TOPMed below 0.00001; gnomAD exomes 0.00001.
gnomAD v4.1: 7 of 1,613,616 alleles (0.00043%); highest among the groups gnomAD compares: Admixed American, 0.0033%; no homozygotes.

Submissions (2):

Labcorp Genetics (formerly Invitae), Labcorp
Classification: Uncertain significance for PGM1-congenital disorder of glycosylation. Last evaluated: 2022-10-04. Review status: criteria provided, single submitter. Criteria: Invitae Variant Classification Sherloc (09022015). Collection method: clinical testing. Allele origin: germline.
Comment: This sequence change replaces glutamic acid, which is acidic and polar, with lysine, which is basic and polar, at codon 431 of the PGM1 protein (p.Glu431Lys). This variant is present in population databases (no rsID available, gnomAD 0.006%). This variant has not been reported in the literature in individuals affected with PGM1-related conditions. Advanced modeling of protein sequence and biophysical properties (such as structural, functional, and spatial information, amino acid conservation, physicochemical variation, residue mobility, and thermodynamic stability) has been performed at Invitae for this missense variant, however the output from this modeling did not meet the statistical confidence thresholds required to predict the impact of this variant on PGM1 protein function. In summary, the available evidence is currently insufficient to determine the role of this variant in disease. Therefore, it has been classified as a Variant of Uncertain Significance.

Ambry Genetics
Classification: Uncertain significance for Inborn genetic diseases. Last evaluated: 2022-07-14. Review status: criteria provided, single submitter. Criteria: Ambry Variant Classification Scheme 2023. Collection method: clinical testing. Allele origin: germline.

NM_002633.3(PGM1):c.1291G>A (p.Glu431Lys)

Gene: PGM1 (phosphoglucomutase 1; plus strand). Cytogenetic location: 1p31.3.
Variant type: single nucleotide variant.
Coding change: c.1291G>A on transcript NM_002633.3 (MANE Select); coding-DNA position 1291, G replaced by A.
Protein change: p.Glu431Lys; replaces glutamic acid 431 with lysine.
Molecular consequence: missense variant.
Genome position (GRCh38, 1-based): chr1:63,651,679, G>A. VCF-style: chr1-63651679-G-A. GRCh37 (hg19) VCF-style: chr1-64117350-G-A.
Other names: c.1345G>A, p.Glu449Lys (NM_001172818.1); c.700G>A, p.Glu234Lys (NM_001172819.2); short protein forms E234K, E431K, E449K.
Identifiers: ClinVar variation 1938959 (VCV001938959.3), dbSNP rs1476203008, ClinGen allele CA340638523.